The following is an entry in ClinVar:

NM_001379500.1(COL18A1):c.107-12413C>T

Gene: COL18A1 (collagen type XVIII alpha 1 chain; plus strand). Cytogenetic location: 21q22.3.
Variant type: single nucleotide variant.
Coding change: c.107-12413C>T on transcript NM_001379500.1 (MANE Select); 12413 bases into the intron before coding-DNA position 107, C replaced by T.
Molecular consequence: intron variant. On other transcripts: missense variant (2).
Genome position (GRCh38, 1-based): chr21:45,455,829, C>T. VCF-style: chr21-45455829-C-T. GRCh37 (hg19) VCF-style: chr21-46875743-C-T.
Other names: c.299C>T, p.Pro100Leu (NM_030582.4, NM_130444.3); short protein forms P100L.
Identifiers: ClinVar variation 1431975 (VCV001431975.4), dbSNP rs754701304, ClinGen allele CA10065430.

ClinVar aggregate classification (germline): Conflicting classifications of pathogenicity. Review status: criteria provided, conflicting classifications (1 of 4 stars). 2 submissions from 2 submitters: Uncertain significance (1); Likely benign (1). Last evaluated 2022-07-19.

Allele frequency attached by ClinVar (database versions not stated): gnomAD 0.00001; TOPMed 0.00001; ExAC 0.00002; gnomAD exomes 0.00002.
gnomAD v4.1: 26 of 1,613,276 alleles (0.0016%); highest among the groups gnomAD compares: Admixed American, 0.005%; no homozygotes.

Submissions (2):

Labcorp Genetics (formerly Invitae), Labcorp
Classification: Uncertain significance. Last evaluated: 2022-07-19. Review status: criteria provided, single submitter. Criteria: Invitae Variant Classification Sherloc (09022015). Collection method: clinical testing. Allele origin: germline.
Comment: The COL18A1 gene has multiple clinically relevant transcripts. This variant occurs in alternate transcript NM_030582.3, and corresponds to NM_130445.3:c.107-12413C>T in the primary transcript. This sequence change replaces proline, which is neutral and non-polar, with leucine, which is neutral and non-polar, at codon 100 of the COL18A1 protein (p.Pro100Leu). This variant is present in population databases (rs754701304, gnomAD 0.006%). This variant has not been reported in the literature in individuals affected with COL18A1-related conditions. ClinVar contains an entry for this variant (Variation ID: 1431975). Experimental studies and prediction algorithms are not available or were not evaluated, and the functional significance of this variant is currently unknown. In summary, the available evidence is currently insufficient to determine the role of this variant in disease. Therefore, it has been classified as a Variant of Uncertain Significance.

Blueprint Genetics
Classification: Likely benign. Last evaluated: 2021-06-03. Review status: criteria provided, single submitter. Criteria: ACMG Guidelines, 2015. Collection method: clinical testing. Allele origin: germline.